The following is an entry in ClinVar:

NM_000214.3(JAG1):c.1807G>A (p.Gly603Arg)

Gene: JAG1 (jagged canonical Notch ligand 1; minus strand). Cytogenetic location: 20p12.2.
Variant type: single nucleotide variant.
Coding change: c.1807G>A on transcript NM_000214.3 (MANE Select); coding-DNA position 1807, G replaced by A.
Protein change: p.Gly603Arg; replaces glycine 603 with arginine.
Molecular consequence: missense variant.
Genome position (GRCh38, 1-based): chr20:10,647,017, C>T on the plus strand (G>A on the coding strand, the complement: JAG1 is on the minus strand). VCF-style: chr20-10647017-C-T. GRCh37 (hg19) VCF-style: chr20-10627665-C-T.
Other names: short protein forms G603R.
Identifiers: ClinVar variation 3377293 (VCV003377293.3).
Genomic context (GRCh38, chr20:10,647,017, plus strand): 5'-CCGTGAAGCCTTTGTTACAGTCACAGGTGAATTTGCCTCCCGACTGACTCTTGCACTTCC[C>T]GTGAGGACCACAGACGTTGGAGGAAATATACCGCACCCCTTCAGGTGTGTCGTTGGAAGC-3'
Protein context (NP_000205.1, residues 593-613): YISSNVCGPH[Gly603Arg]KCKSQSGGKF

ClinVar aggregate classification (germline): Uncertain significance. Review status: criteria provided, multiple submitters, no conflicts (2 of 4 stars). 2 submissions from 2 submitters: Uncertain significance (2). Last evaluated 2025-01-07.

Conditions:
Alagille syndrome due to a JAG1 point mutation. Also called: HEPATIC DUCTULAR HYPOPLASIA, SYNDROMATIC; Alagille Syndrome 1; JAG1-Related Alagille Syndrome. Identifiers: Orphanet 261619, Orphanet 52, MedGen C1956125, MONDO:0016862, OMIM 118450.

Submissions (2):

Labcorp Genetics (formerly Invitae), Labcorp
Classification: Uncertain significance for Alagille syndrome due to a JAG1 point mutation. Last evaluated: 2025-01-07. Review status: criteria provided, single submitter. Criteria: Invitae Variant Classification Sherloc (09022015). Collection method: clinical testing. Allele origin: germline.
Comment: This sequence change replaces glycine, which is neutral and non-polar, with arginine, which is basic and polar, at codon 603 of the JAG1 protein (p.Gly603Arg). This variant is not present in population databases (gnomAD no frequency). This variant has not been reported in the literature in individuals affected with JAG1-related conditions. Invitae Evidence Modeling of protein sequence and biophysical properties (such as structural, functional, and spatial information, amino acid conservation, physicochemical variation, residue mobility, and thermodynamic stability) indicates that this missense variant is expected to disrupt JAG1 protein function with a positive predictive value of 95%. In summary, the available evidence is currently insufficient to determine the role of this variant in disease. Therefore, it has been classified as a Variant of Uncertain Significance.

Victorian Clinical Genetics Services, Murdoch Childrens Research Institute
Classification: Uncertain significance for Alagille syndrome due to a JAG1 point mutation. Last evaluated: 2024-10-10. Review status: criteria provided, single submitter. Criteria: ACMG Guidelines, 2015. Collection method: clinical testing. Allele origin: germline. Inheritance: Autosomal dominant inheritance. Affected: yes.
Comment: Based on the classification scheme VCGS_Germline_v1.3.5, this variant is classified as VUS-3A. Following criteria are met: 0102 - Loss of function is a known mechanism of disease in this gene and is associated with Alagille syndrome 1 (MIM#118450) and tetralogy of fallot (MIM#187500). The mechanism for Charcot-Marie-Tooth disease, axonal, type 2HH (MIM#619574) is not clearly established; however, loss of function is suggested (PMID: 32065591). (I) 0107 - This gene is associated with autosomal dominant disease. (I) 0200 - Variant is predicted to result in a missense amino acid change from glycine to arginine. (I) 0251 - This variant is heterozygous. (I) 0301 - Variant is absent from gnomAD (v2, v3 and v4). (SP) 0501 - Missense variant consistently predicted to be damaging by multiple in silico tools or highly conserved with a major amino acid change. (SP) 0604 - Variant is not located in an established domain, motif, hotspot or informative constraint region. (I) 0705 - No comparable missense variants have previous evidence for pathogenicity. (I) 0807 - This variant has no previous evidence of pathogenicity. (I) 0905 - No published segregation evidence has been identified for this variant. (I) 1007 - No published functional evidence has been identified for this variant. (SP) Legend: (SP) - Supporting pathogenic, (I) - Information, (SB) - Supporting benign

Literature cited by the submitters: PubMed 32065591 (cited by Victorian Clinical Genetics Services, Murdoch Childrens Research Institute).